The following is an entry in ClinVar:

NM_000245.4(MET):c.1305C>T (p.Ser435=)

Gene: MET (MET proto-oncogene, receptor tyrosine kinase; plus strand). Cytogenetic location: 7q31.2.
Variant type: single nucleotide variant.
Coding change: c.1305C>T on transcript NM_000245.4 (MANE Select); coding-DNA position 1305, C replaced by T.
Protein change: p.Ser435=; no amino-acid change (serine 435 retained).
Molecular consequence: synonymous variant.
Genome position (GRCh38, 1-based): chr7:116,731,772, C>T. VCF-style: chr7-116731772-C-T. GRCh37 (hg19) VCF-style: chr7-116371826-C-T.
Other names: c.1305C>T, p.Ser435= (NM_001127500.3, NM_001324401.3); c.15C>T, p.Ser5= (NM_001324402.2).
Identifiers: ClinVar variation 485751 (VCV000485751.15), dbSNP rs762520351, ClinGen allele CA4448131.

ClinVar aggregate classification (germline): Benign/Likely benign. Review status: criteria provided, multiple submitters, no conflicts (2 of 4 stars). 3 submissions from 3 submitters: Benign (1); Likely benign (2). Last evaluated 2026-01-21.

Conditions:
Renal cell carcinoma. Identifiers: Orphanet 217071, MedGen C0007134, MeSH D002292, MONDO:0005086, HP:0005584.
Hereditary cancer-predisposing syndrome. Also called: Tumor predisposition; Hereditary Cancer Syndrome; Hereditary neoplastic syndrome; Neoplastic Syndromes, Hereditary. Identifiers: Orphanet 140162, MedGen C0027672, MeSH D009386, MONDO:0015356.
Papillary renal cell carcinoma type 1 (RCCP1). Also called: RENAL CELL CARCINOMA, PAPILLARY, 1, SOMATIC; Renal adenocarcinoma; Renal cell carcinoma 1; Renal cell carcinoma, somatic. Identifiers: Orphanet 47044, MedGen C1336839, OMIM 605074, HP:0011797.

Allele frequency attached by ClinVar (database versions not stated): ExAC 0.00001; gnomAD 0.00001; TOPMed 0.00001; gnomAD exomes 0.00002.
gnomAD v4.1: 13 of 1,614,006 alleles (0.00081%); highest among the groups gnomAD compares: Admixed American, 0.005%; no homozygotes.

Submissions (3):

Labcorp Genetics (formerly Invitae), Labcorp
Classification: Likely benign for Renal cell carcinoma. Last evaluated: 2026-01-21. Review status: criteria provided, single submitter. Criteria: Invitae Variant Classification Sherloc (09022015). Collection method: clinical testing. Allele origin: germline.

Myriad Genetics, Inc.
Classification: Benign for Papillary renal cell carcinoma type 1. Last evaluated: 2024-11-07. Review status: criteria provided, single submitter. Criteria: Myriad Autosomal Dominant, Autosomal Recessive and X-Linked Classification Criteria (2023). Collection method: clinical testing. Allele origin: unknown.
Comment: This variant is considered benign. This variant is a silent/synonymous amino acid change and it is not expected to impact splicing.

Ambry Genetics
Classification: Likely benign for Hereditary cancer-predisposing syndrome. Last evaluated: 2016-02-05. Review status: criteria provided, single submitter. Criteria: Ambry Variant Classification Scheme 2023. Collection method: clinical testing. Allele origin: germline.